The following is an entry in ClinVar:

ClinVar aggregate classification (germline): Conflicting classifications of pathogenicity. Review status: criteria provided, conflicting classifications (1 of 4 stars). 9 submissions from 8 submitters: Uncertain significance (7); Likely benign (1). 1 of the submissions does not count toward it. Last evaluated 2026-01-28.

Conditions:
Hereditary cancer-predisposing syndrome. Also called: Hereditary Cancer Syndrome; Neoplastic Syndromes, Hereditary; Tumor predisposition; Hereditary neoplastic syndrome. Identifiers: Orphanet 140162, MedGen C0027672, MeSH D009386, MONDO:0015356.
Cardiovascular phenotype. Identifiers: MedGen CN230736.
Juvenile myelomonocytic leukemia (JMML). Also called: LEUKEMIA, JUVENILE MYELOMONOCYTIC, SOMATIC. Identifiers: Orphanet 86834, MedGen C0349639, MONDO:0011908, OMIM 607785, HP:0012209.
Neurofibromatosis, type 1 (NF1). Also called: NEUROFIBROMATOSIS, TYPE I, SOMATIC; VON RECKLINGHAUSEN DISEASE; Peripheral type neurofibromatosis; Neurofibromatosis, type I. Identifiers: Orphanet 636, MedGen C0027831, MONDO:0018975, OMIM 162200. Disease mechanism: loss of function.

Allele frequency attached by ClinVar (database versions not stated): gnomAD exomes below 0.00001; TOPMed below 0.00001; gnomAD 0.00001.
gnomAD v4.1: 8 of 1,613,916 alleles (0.0005%); highest among the groups gnomAD compares: African/African-American, 0.0013%; no homozygotes.

Submissions (9):

Labcorp Genetics (formerly Invitae), Labcorp
Classification: Likely benign for Neurofibromatosis, type 1. Last evaluated: 2026-01-28. Review status: criteria provided, single submitter. Criteria: Invitae Variant Classification Sherloc (09022015). Collection method: clinical testing. Allele origin: germline.

Women's Health and Genetics/Laboratory Corporation of America, LabCorp
Classification: Uncertain significance. Last evaluated: 2025-10-14. Review status: criteria provided, single submitter. Criteria: LabCorp Variant Classification Summary - May 2015. Collection method: clinical testing. Allele origin: germline.
Comment: Variant summary: NF1 c.3722G>A (p.Arg1241Gln) results in a conservative amino acid change located in the Ras GTPase-activating domain of the encoded protein sequence. Algorithms developed to predict the effect of missense changes on protein structure and function are either unavailable or do not agree on the potential impact of this missense change. The variant was absent in 251406 control chromosomes. The available data on variant occurrences in the general population are insufficient to allow any conclusion about variant significance. c.3722G>A has been observed in the heterozygous state in an individual affected with Neurofibromatosis Type 1 (Pasmant_2015). These data do not allow any conclusion about variant significance. To our knowledge, no experimental evidence demonstrating an impact on protein function has been reported. The following publications have been ascertained in the context of this evaluation (PMID: 25074460). ClinVar contains an entry for this variant (Variation ID: 187226). Based on the evidence outlined above, the variant was classified as uncertain significance.

Institute of Human Genetics, University of Leipzig Medical Center
Classification: Uncertain significance for Neurofibromatosis, type 1. Last evaluated: 2024-03-27. Review status: criteria provided, single submitter. Criteria: ACMG Guidelines, 2015. Collection method: clinical testing. Allele origin: unknown. Inheritance: Autosomal dominant inheritance. Affected: yes.
Comment: Criteria applied: PS4_SUP,PP2,PP3

Baylor Genetics
Classification: Uncertain significance for Juvenile myelomonocytic leukemia. Last evaluated: 2024-02-22. Review status: criteria provided, single submitter. Criteria: ACMG Guidelines, 2015. Collection method: clinical testing. Allele origin: unknown.

GeneDx
Classification: Uncertain significance. Last evaluated: 2023-10-26. Review status: criteria provided, single submitter. Criteria: GeneDx Variant Classification Process June 2021. Collection method: clinical testing. Allele origin: germline. Affected: yes.
Comment: In silico analysis supports that this missense variant has a deleterious effect on protein structure/function; Observed in an individual with neurofibromatosis type 1 (PMID: 25074460); This variant is associated with the following publications: (PMID: 26354930, 25486365, 22807134, 25074460)

Ambry Genetics
Classification: Uncertain significance for Cardiovascular phenotype; Hereditary cancer-predisposing syndrome. Last evaluated: 2022-07-26. Review status: criteria provided, single submitter. Criteria: Ambry Variant Classification Scheme 2023. Collection method: clinical testing. Allele origin: germline.

Genome-Nilou Lab
Classification: Uncertain significance for Neurofibromatosis, type 1. Last evaluated: 2022-03-15. Review status: criteria provided, single submitter. Criteria: ACMG Guidelines, 2015. Collection method: clinical testing. Allele origin: germline. Affected: no.

Ambry Genetics
Classification: Uncertain significance for Hereditary cancer-predisposing syndrome. Last evaluated: 2016-03-08. Review status: criteria provided, single submitter. Criteria: Ambry Autosomal Dominant and X-Linked criteria (10/2015). Collection method: clinical testing. Allele origin: germline. Observed: 1 variant allele.
Comment: The p.R1241Q variant (also known as c.3722G>A), located in coding exon 28 of the NF1 gene, results from a G to A substitution at nucleotide position 3722. The arginine at codon 1241 is replaced by glutamine, an amino acid with highly similar properties. This alteration has been reported in one proband from a cohort of 279 patients with clinically diagnosed NF1 (Pasmant E et al, Eur. J. Hum. Genet. 2015 May; 23(5):596-601). This variant was not reported in population based cohorts in the following databases: Database of Single Nucleotide Polymorphisms (dbSNP), NHLBI Exome Sequencing Project (ESP), and 1000 Genomes Project. In the ESP, this variant was not observed in 6503 samples (13006 alleles) with coverage at this position. To date, this alteration has been detected with an allele frequency of approximately 0.004% (greater than 110000 alleles tested) in our clinical cohort. This amino acid position is highly conserved in available vertebrate species. In addition, this alteration is predicted to be deleterious by in silico analysis. Since supporting evidence for this variant is conflicting at this time, the clinical significance of p.R1241Q remains unclear.

Gharavi Laboratory, Columbia University
Classification: Uncertain significance. Last evaluated: 2018-09-16. Review status: no assertion criteria provided. Criteria: ACMG Guidelines, 2015. Collection method: research. Allele origin: germline. Affected: no. Not counted in ClinVar's aggregate classification.

Literature cited by the submitters: PubMed 10678181 (cited by Women's Health and Genetics/Laboratory Corporation of America, LabCorp); PubMed 23460398 (cited by Women's Health and Genetics/Laboratory Corporation of America, LabCorp); PubMed 25074460 (cited by Women's Health and Genetics/Laboratory Corporation of America, LabCorp and Ambry Genetics); PubMed 29872168 (cited by Women's Health and Genetics/Laboratory Corporation of America, LabCorp); PubMed 27069254 (cited by Women's Health and Genetics/Laboratory Corporation of America, LabCorp).

NM_001042492.3(NF1):c.3722G>A (p.Arg1241Gln)

Gene: NF1 (neurofibromin 1; plus strand). Cytogenetic location: 17q11.2.
Variant type: single nucleotide variant.
Coding change: c.3722G>A on transcript NM_001042492.3 (MANE Select); coding-DNA position 3722, G replaced by A.
Protein change: p.Arg1241Gln; replaces arginine 1241 with glutamine.
Molecular consequence: missense variant.
Genome position (GRCh38, 1-based): chr17:31,235,624, G>A. VCF-style: chr17-31235624-G-A. GRCh37 (hg19) VCF-style: chr17-29562642-G-A.
Other names: c.3722G>A, p.Arg1241Gln (NM_000267.4); short protein forms R1241Q.
Identifiers: ClinVar variation 187226 (VCV000187226.18), dbSNP rs543387071, ClinGen allele CA197077.